The following is an entry in ClinVar:

NM_032208.3(ANTXR1):c.133C>G (p.Leu45Val)

Gene: ANTXR1 (ANTXR cell adhesion molecule 1; plus strand). Cytogenetic location: 2p13.3.
Variant type: single nucleotide variant.
Coding change: c.133C>G on transcript NM_032208.3 (MANE Select); coding-DNA position 133, C replaced by G.
Protein change: p.Leu45Val; replaces leucine 45 with valine.
Molecular consequence: missense variant.
Genome position (GRCh38, 1-based): chr2:69,013,632, C>G. VCF-style: chr2-69013632-C-G. GRCh37 (hg19) VCF-style: chr2-69240764-C-G.
Other names: c.133C>G, p.Leu45Val (NM_001410840.1, NM_018153.3, NM_053034.2); short protein forms L45V.
Identifiers: ClinVar variation 3127235 (VCV003127235.9), dbSNP rs967954093, ClinGen allele CA49491321.

ClinVar aggregate classification (germline): Uncertain significance. Review status: criteria provided, multiple submitters, no conflicts (2 of 4 stars). 3 submissions from 3 submitters: Uncertain significance (3). Last evaluated 2025-04-01.

Conditions:
Inborn genetic diseases. Identifiers: MedGen C0950123, MeSH D030342.

Allele frequency attached by ClinVar (database versions not stated): gnomAD exomes 0.00001; gnomAD 0.00003.
gnomAD v4.1: 11 of 1,553,774 alleles (0.00071%); highest among the groups gnomAD compares: African/African-American, 0.012%; no homozygotes.

Submissions (3):

CeGaT Center for Human Genetics Tuebingen
Classification: Uncertain significance. Last evaluated: 2025-04-01. Review status: criteria provided, single submitter. Criteria: CeGaT Center For Human Genetics Tuebingen Variant Classification Criteria Version 2. Collection method: clinical testing. Allele origin: germline. Affected: yes. Observed: 1 variant allele.
Comment: ANTXR1: PM2, PM3:Supporting, PP3, BS4

Ambry Genetics
Classification: Uncertain significance for Inborn genetic diseases. Last evaluated: 2024-03-01. Review status: criteria provided, single submitter. Criteria: Ambry Variant Classification Scheme 2023. Collection method: clinical testing. Allele origin: germline.

Blueprint Genetics
Classification: Uncertain significance. Last evaluated: 2022-04-28. Review status: criteria provided, single submitter. Criteria: ACMG Guidelines, 2015. Collection method: clinical testing. Allele origin: germline.